The following is an entry in ClinVar:

NM_003238.6(TGFB2):c.449G>A (p.Arg150Lys)

Gene: TGFB2 (transforming growth factor beta 2; plus strand). Cytogenetic location: 1q41.
Variant type: single nucleotide variant.
Coding change: c.449G>A on transcript NM_003238.6 (MANE Select); coding-DNA position 449, G replaced by A.
Protein change: p.Arg150Lys; replaces arginine 150 with lysine.
Molecular consequence: missense variant. On other transcripts: non-coding transcript variant (2).
Genome position (GRCh38, 1-based): chr1:218,405,271, G>A. VCF-style: chr1-218405271-G-A. GRCh37 (hg19) VCF-style: chr1-218578613-G-A.
Other names: c.533G>A, p.Arg178Lys (NM_001135599.4); short protein forms R150K, R178K.
Identifiers: ClinVar variation 1034602 (VCV001034602.11), dbSNP rs1658871071, ClinGen allele CA344726203.

ClinVar aggregate classification (germline): Uncertain significance (1 of 4 stars; one submission).

Conditions:
Loeys-Dietz syndrome 4 (LDS4). Also called: ANEURYSM, AORTIC AND CEREBRAL, WITH ARTERIAL TORTUOSITY AND SKELETAL MANIFESTATIONS; TGFB2-Related Loeys-Dietz Syndrome. Identifiers: MedGen C3553762, MONDO:0013897, OMIM 614816.

Submission:

Labcorp Genetics (formerly Invitae), Labcorp
Classification: Uncertain significance for Loeys-Dietz syndrome 4. Last evaluated: 2020-09-17. Review status: criteria provided, single submitter. Criteria: Invitae Variant Classification Sherloc (09022015). Collection method: clinical testing. Allele origin: germline.
Comment: This variant has not been reported in the literature in individuals with TGFB2-related conditions. This variant is not present in population databases (ExAC no frequency). This sequence change replaces arginine with lysine at codon 150 of the TGFB2 protein (p.Arg150Lys). The arginine residue is highly conserved and there is a small physicochemical difference between arginine and lysine. In summary, the available evidence is currently insufficient to determine the role of this variant in disease. Therefore, it has been classified as a Variant of Uncertain Significance. Advanced modeling of protein sequence and biophysical properties (such as structural, functional, and spatial information, amino acid conservation, physicochemical variation, residue mobility, and thermodynamic stability) performed at Invitae indicates that this missense variant is expected to disrupt TGFB2 protein function.